The following is an entry in ClinVar:

NM_003737.4(DCHS1):c.5294A>G (p.Asp1765Gly)

Gene: DCHS1 (dachsous cadherin-related 1; minus strand). Cytogenetic location: 11p15.4.
Variant type: single nucleotide variant.
Coding change: c.5294A>G on transcript NM_003737.4 (MANE Select); coding-DNA position 5294, A replaced by G.
Protein change: p.Asp1765Gly; replaces aspartic acid 1765 with glycine.
Molecular consequence: missense variant.
Genome position (GRCh38, 1-based): chr11:6,628,698, T>C on the plus strand (A>G on the coding strand, the complement: DCHS1 is on the minus strand). VCF-style: chr11-6628698-T-C. GRCh37 (hg19) VCF-style: chr11-6649929-T-C.
Other names: short protein forms D1765G.
Identifiers: ClinVar variation 2970630 (VCV002970630.3), dbSNP rs1564862492, ClinGen allele CA379396463.

ClinVar aggregate classification (germline): Uncertain significance (1 of 4 stars; one submission).

Allele frequency attached by ClinVar (database versions not stated): gnomAD exomes 0.00001.
gnomAD v4.1: 3 of 1,613,860 alleles (0.00019%); highest among the groups gnomAD compares: Admixed American, 0.005%; no homozygotes.

Submission:

Labcorp Genetics (formerly Invitae), Labcorp
Classification: Uncertain significance. Last evaluated: 2025-10-05. Review status: criteria provided, single submitter. Criteria: Invitae Variant Classification Sherloc (09022015). Collection method: clinical testing. Allele origin: germline.
Comment: This sequence change replaces aspartic acid, which is acidic and polar, with glycine, which is neutral and non-polar, at codon 1765 of the DCHS1 protein (p.Asp1765Gly). This variant is not present in population databases (gnomAD no frequency). This variant has not been reported in the literature in individuals affected with DCHS1-related conditions. ClinVar contains an entry for this variant (Variation ID: 2970630). Invitae Evidence Modeling of protein sequence and biophysical properties (such as structural, functional, and spatial information, amino acid conservation, physicochemical variation, residue mobility, and thermodynamic stability) indicates that this missense variant is not expected to disrupt DCHS1 protein function with a negative predictive value of 80%. In summary, the available evidence is currently insufficient to determine the role of this variant in disease. Therefore, it has been classified as a Variant of Uncertain Significance.